The following is an entry in ClinVar:

ClinVar aggregate classification (germline): Pathogenic (1 of 4 stars; one submission).

Conditions:
Autosomal recessive polycystic kidney disease (ARPKD). Also called: AR polycystic kidney disease. Identifiers: Orphanet 731, Orphanet 8378, MedGen C0085548, MeSH D017044, MONDO:0009889.

Submission:

Labcorp Genetics (formerly Invitae), Labcorp
Classification: Pathogenic for Autosomal recessive polycystic kidney disease. Last evaluated: 2022-06-23. Review status: criteria provided, single submitter. Criteria: Invitae Variant Classification Sherloc (09022015). Collection method: clinical testing. Allele origin: germline.
Comment: This variant has not been reported in the literature in individuals affected with PKHD1-related conditions. For these reasons, this variant has been classified as Pathogenic. This variant is a gross deletion of the genomic region encompassing exon(s) 59 of the PKHD1 gene. This deletion is out-of-frame, and is expected to create a premature termination codon and result in an absent or disrupted protein product. Loss-of-function variants in PKHD1 are known to be pathogenic (PMID: 19940839).

Literature cited by the submitters: PubMed 19940839.

NC_000006.11:g.(?_51611509)_(51611697_?)del

Gene: PKHD1 (PKHD1 ciliary IPT domain containing fibrocystin/polyductin; minus strand). Cytogenetic location: 6p12.3.
Variant type: Deletion.
Identifiers: ClinVar variation 2427249 (VCV002427249.5).